The following is an entry in ClinVar:

ClinVar aggregate classification (germline): Uncertain significance (1 of 4 stars; one submission).

Conditions:
Autosomal recessive limb-girdle muscular dystrophy type 2Q (LGMDR17). Also called: MUSCULAR DYSTROPHY, LIMB-GIRDLE, AUTOSOMAL RECESSIVE 17. Identifiers: Orphanet 254361, MedGen C3150989, MONDO:0013390, OMIM 613723.
Epidermolysis bullosa simplex 5B, with muscular dystrophy (EBS5B). Also called: EPIDERMOLYSIS BULLOSA SIMPLEX AND LIMB-GIRDLE MUSCULAR DYSTROPHY; Epidermolysis bullosa simplex with muscular dystrophy. Identifiers: Orphanet 257, MedGen C2931072, MONDO:0009181, OMIM 226670.
Epidermolysis bullosa simplex, Ogna type (EBS5A). Also called: Pidermolysis bullosa simplex 5A, Ogna type; EPIDERMOLYSIS BULLOSA SIMPLEX 5A, OGNA TYPE. Identifiers: Orphanet 79401, MedGen C0432317, MONDO:0007555, OMIM 131950.
Epidermolysis bullosa simplex with nail dystrophy (EBS5D). Identifiers: MedGen C4225309, MONDO:0014661, OMIM 616487.
Epidermolysis bullosa simplex 5C, with pyloric atresia (EBS5C). Also called: Epidermolysis bullosa simplex with pyloric atresia; PLEC1-Related Epidermolysis Bullosa with Pyloric Atresia; PLEC-Related Epidermolysis Bullosa with Pyloric Atresia. Identifiers: Orphanet 158684, MedGen C2677349, MONDO:0012807, OMIM 612138.

Submission:

Labcorp Genetics (formerly Invitae), Labcorp
Classification: Uncertain significance for Autosomal recessive limb-girdle muscular dystrophy type 2Q; Epidermolysis bullosa simplex, Ogna type; Epidermolysis bullosa simplex with nail dystrophy; Epidermolysis bullosa simplex 5C, with pyloric atresia; Epidermolysis bullosa simplex 5B, with muscular dystrophy. Last evaluated: 2021-09-29. Review status: criteria provided, single submitter. Criteria: Invitae Variant Classification Sherloc (09022015). Collection method: clinical testing. Allele origin: germline.
Comment: This sequence change replaces asparagine with histidine at codon 3526 of the PLEC protein (p.Asn3526His). The asparagine residue is moderately conserved and there is a small physicochemical difference between asparagine and histidine. This variant is not present in population databases (ExAC no frequency). This variant has not been reported in the literature in individuals affected with PLEC-related conditions. Algorithms developed to predict the effect of missense changes on protein structure and function (SIFT, PolyPhen-2, Align-GVGD) all suggest that this variant is likely to be tolerated. In summary, the available evidence is currently insufficient to determine the role of this variant in disease. Therefore, it has been classified as a Variant of Uncertain Significance.

NM_201384.3(PLEC):c.10495A>C (p.Asn3499His)

Gene: PLEC (plectin; minus strand). Cytogenetic location: 8q24.3.
Variant type: single nucleotide variant.
Coding change: c.10495A>C on transcript NM_201384.3 (MANE Select); coding-DNA position 10495, A replaced by C.
Protein change: p.Asn3499His; replaces asparagine 3499 with histidine.
Molecular consequence: missense variant.
Genome position (GRCh38, 1-based): chr8:143,919,326, T>G on the plus strand (A>C on the coding strand, the complement: PLEC is on the minus strand). VCF-style: chr8-143919326-T-G. GRCh37 (hg19) VCF-style: chr8-144993494-T-G.
Other names: c.10576A>C, p.Asn3526His (NM_000445.5); c.10453A>C, p.Asn3485His (NM_201378.4); c.10429A>C, p.Asn3477His (NM_201379.3); c.10906A>C, p.Asn3636His (NM_201380.4); c.10399A>C, p.Asn3467His (NM_201381.3); c.10495A>C, p.Asn3499His (NM_201382.4); c.10507A>C, p.Asn3503His (NM_201383.3); short protein forms N3467H, N3477H, N3485H, N3526H, N3499H, N3636H, N3503H.
Identifiers: ClinVar variation 1473029 (VCV001473029.6), dbSNP rs2130985289, ClinGen allele CA372498422.